The following is an entry in ClinVar:

ClinVar aggregate classification (germline): Pathogenic (1 of 4 stars; one submission).

Conditions:
Amyotrophic lateral sclerosis type 1 (ALS1). Also called: AMYOTROPHIC LATERAL SCLEROSIS 1, FAMILIAL. Identifiers: Orphanet 803, MedGen C1862939, MONDO:0007103, OMIM 105400.

gnomAD v4.1: 2 of 1,613,648 alleles (0.00012%); highest among the groups gnomAD compares: Admixed American, 0.0033%; no homozygotes.

Submission:

Labcorp Genetics (formerly Invitae), Labcorp
Classification: Pathogenic for Amyotrophic lateral sclerosis type 1. Last evaluated: 2025-12-20. Review status: criteria provided, single submitter. Criteria: Invitae Variant Classification Sherloc (09022015). Collection method: clinical testing. Allele origin: germline.
Comment: This sequence change replaces histidine, which is basic and polar, with arginine, which is basic and polar, at codon 121 of the SOD1 protein (p.His121Arg). This variant is present in population databases (no rsID available, gnomAD 0.006%). This missense change has been observed in individuals with autosomal dominant amyotrophic lateral sclerosis (PMID: 34564799; internal data). Invitae Evidence Modeling of protein sequence and biophysical properties (such as structural, functional, and spatial information, amino acid conservation, physicochemical variation, residue mobility, and thermodynamic stability) indicates that this missense variant is expected to disrupt SOD1 protein function with a positive predictive value of 95%. This variant disrupts the p.His121 amino acid residue in SOD1. Other variant(s) that disrupt this residue have been determined to be pathogenic (PMID: 30887850, 34544842, 35193472). This suggests that this residue is clinically significant, and that variants that disrupt this residue are likely to be disease-causing. For these reasons, this variant has been classified as Pathogenic.

Literature cited by the submitters: PubMed 34564799; PubMed 30887850; PubMed 34544842; PubMed 35193472.

NM_000454.5(SOD1):c.362A>G (p.His121Arg)

Gene: SOD1 (superoxide dismutase 1; plus strand). Cytogenetic location: 21q22.11.
Variant type: single nucleotide variant.
Coding change: c.362A>G on transcript NM_000454.5 (MANE Select); coding-DNA position 362, A replaced by G.
Protein change: p.His121Arg; replaces histidine 121 with arginine.
Molecular consequence: missense variant.
Genome position (GRCh38, 1-based): chr21:31,668,475, A>G. VCF-style: chr21-31668475-A-G. GRCh37 (hg19) VCF-style: chr21-33040788-A-G.
Other names: short protein forms H121R.
Identifiers: ClinVar variation 4803212 (VCV004803212.1).
Genomic context (GRCh38, chr21:31,668,475, plus strand): 5'-GGAGGAGGTAGTGATTACTTGACAGCCCAAAGTTATCTTCTTAAAATTTTTTACAGGTCC[A>G]TGAAAAAGCAGATGACTTGGGCAAAGGTGGAAATGAAGAAAGTACAAAGACAGGAAACGC-3'
Protein context (NP_000445.1, residues 111-131): HCIIGRTLVV[His121Arg]EKADDLGKGG